The following is an entry in ClinVar:

NM_004260.4(RECQL4):c.2091T>A (p.Phe697Leu)

Gene: RECQL4 (RecQ like helicase 4; minus strand). Cytogenetic location: 8q24.3.
Variant type: single nucleotide variant.
Coding change: c.2091T>A on transcript NM_004260.4 (MANE Select); coding-DNA position 2091, T replaced by A.
Protein change: p.Phe697Leu; replaces phenylalanine 697 with leucine.
Molecular consequence: missense variant. On other transcripts: non-coding transcript variant (2).
Genome position (GRCh38, 1-based): chr8:144,513,680, A>T on the plus strand (T>A on the coding strand, the complement: RECQL4 is on the minus strand). VCF-style: chr8-144513680-A-T. GRCh37 (hg19) VCF-style: chr8-145739064-A-T.
Other names: c.1995T>A, p.Phe665Leu (NM_001413017.1, NM_001413020.1); c.2091T>A, p.Phe697Leu (NM_001413018.1, NM_001413019.1, NM_001413036.1); c.1020T>A, p.Phe340Leu (NM_001413021.1, NM_001413022.1, NM_001413023.1 and 6 more transcripts); c.1962T>A, p.Phe654Leu (NM_001413025.1); c.954T>A, p.Phe318Leu (NM_001413027.1, NM_001413030.1, NM_001413032.1 and 1 more transcripts); c.1740T>A, p.Phe580Leu (NM_001413029.1); c.822T>A, p.Phe274Leu (NM_001413031.1); c.1959T>A, p.Phe653Leu (NM_001413033.1); and 4 more; short protein forms F653L, F274L, F318L, F580L, F654L, F687L, F296L, F697L.
Identifiers: ClinVar variation 2718597 (VCV002718597.3), dbSNP rs386833850, ClinGen allele CA372679989.

ClinVar aggregate classification (germline): Uncertain significance (1 of 4 stars; one submission).

Conditions:
Baller-Gerold syndrome (BGS). Also called: CRANIOSYNOSTOSIS WITH RADIAL DEFECTS. Identifiers: Orphanet 1225, MedGen C0265308, MONDO:0009039, OMIM 218600.

Submission:

Labcorp Genetics (formerly Invitae), Labcorp
Classification: Uncertain significance for Baller-Gerold syndrome. Last evaluated: 2023-09-14. Review status: criteria provided, single submitter. Criteria: Invitae Variant Classification Sherloc (09022015). Collection method: clinical testing. Allele origin: germline.
Comment: In summary, the available evidence is currently insufficient to determine the role of this variant in disease. Therefore, it has been classified as a Variant of Uncertain Significance. Experimental studies have shown that this missense change affects RECQL4 function (PMID: 23238538). Advanced modeling of protein sequence and biophysical properties (such as structural, functional, and spatial information, amino acid conservation, physicochemical variation, residue mobility, and thermodynamic stability) performed at Invitae indicates that this missense variant is expected to disrupt RECQL4 protein function. This missense change has been observed in individual(s) with RECQL4-related conditions (PMID: 18716613). This variant is not present in population databases (gnomAD no frequency). This sequence change replaces phenylalanine, which is neutral and non-polar, with leucine, which is neutral and non-polar, at codon 697 of the RECQL4 protein (p.Phe697Leu).

Literature cited by the submitters: PubMed 23238538; PubMed 18716613.